The following is an entry in ClinVar:

NM_004380.3(CREBBP):c.4328G>A (p.Arg1443His)

Gene: CREBBP (CREB binding lysine acetyltransferase; minus strand). Cytogenetic location: 16p13.3.
Variant type: single nucleotide variant.
Coding change: c.4328G>A on transcript NM_004380.3 (MANE Select); coding-DNA position 4328, G replaced by A.
Protein change: p.Arg1443His; replaces arginine 1443 with histidine.
Molecular consequence: missense variant.
Genome position (GRCh38, 1-based): chr16:3,738,625, C>T on the plus strand (G>A on the coding strand, the complement: CREBBP is on the minus strand). VCF-style: chr16-3738625-C-T. GRCh37 (hg19) VCF-style: chr16-3788626-C-T.
Other names: c.4214G>A, p.Arg1405His (NM_001079846.1); short protein forms R1443H, R1405H.
Identifiers: ClinVar variation 3686561 (VCV003686561.2).

ClinVar aggregate classification (germline): Uncertain significance (1 of 4 stars; one submission).

Conditions:
Rubinstein-Taybi syndrome (RSTS). Identifiers: Orphanet 783, MedGen C0035934, MONDO:0019188.

gnomAD v4.1: 2 of 1,613,858 alleles (0.00012%); highest among the groups gnomAD compares: Non-Finnish European, 0.000085%; no homozygotes.

Submission:

Labcorp Genetics (formerly Invitae), Labcorp
Classification: Uncertain significance for Rubinstein-Taybi syndrome. Last evaluated: 2024-04-16. Review status: criteria provided, single submitter. Criteria: Invitae Variant Classification Sherloc (09022015). Collection method: clinical testing. Allele origin: germline.
Comment: This sequence change replaces arginine, which is basic and polar, with histidine, which is basic and polar, at codon 1443 of the CREBBP protein (p.Arg1443His). This variant is not present in population databases (gnomAD no frequency). This variant has not been reported in the literature in individuals affected with CREBBP-related conditions. Advanced modeling of protein sequence and biophysical properties (such as structural, functional, and spatial information, amino acid conservation, physicochemical variation, residue mobility, and thermodynamic stability) performed at Invitae indicates that this missense variant is not expected to disrupt CREBBP protein function with a negative predictive value of 95%. In summary, the available evidence is currently insufficient to determine the role of this variant in disease. Therefore, it has been classified as a Variant of Uncertain Significance.